The following is an entry in ClinVar:

ClinVar aggregate classification (germline): Uncertain significance (1 of 4 stars; one submission).

Submission:

CeGaT Center for Human Genetics Tuebingen
Classification: Uncertain significance. Last evaluated: 2023-11-01. Review status: criteria provided, single submitter. Criteria: CeGaT Center For Human Genetics Tuebingen Variant Classification Criteria Version 2. Collection method: clinical testing. Allele origin: germline. Affected: yes. Observed: 1 variant allele.
Comment: KIF4A: PM2, BP4

NM_012310.5(KIF4A):c.2232+5_2232+12del

Gene: KIF4A (kinesin family member 4A; plus strand). Cytogenetic location: Xq13.1.
Variant type: Deletion.
Coding change: c.2232+5_2232+12del on transcript NM_012310.5 (MANE Select); bases 5 to 12 of the intron after coding-DNA position 2232, 8 bases deleted (GAACAACT; older notation c.2232+5_2232+12delGAACAACT).
Molecular consequence: intron variant.
Genome position (GRCh38, 1-based): chrX:70,387,302-70,387,309, GAACAACT deleted; deleting any 8 consecutive bases within chrX:70,387,301-70,387,309 gives the same sequence; the c. name uses the placement nearest the transcript's 3' end. VCF-style (leftmost placement, unchanged base first): chrX-70387300-ATGAACAAC-A. GRCh37 (hg19) VCF-style: chrX-69607150-ATGAACAAC-A.
Identifiers: ClinVar variation 2673239 (VCV002673239.23), dbSNP rs2519685569, ClinGen allele CA2695200223.